The following is an entry in ClinVar:

ClinVar aggregate classification (germline): Uncertain significance. Review status: reviewed by expert panel (3 of 4 stars). 4 submissions from 4 submitters: Uncertain significance (1). 3 of the submissions do not count toward it. Last evaluated 2024-02-12.

Conditions:
Recombinase activating gene 1 deficiency. Identifiers: MedGen CN375631, MONDO:0000572.
Severe combined immunodeficiency, autosomal recessive, T cell-negative, B cell-negative, NK cell-positive. Also called: SCID, AR, T-cell negative, B-cell negative, NK cell-positive; Severe combined immunodeficiency due to complete RAG1/2 deficiency; SCID, T CELL-NEGATIVE, B CELL-NEGATIVE, NK CELL-POSITIVE. Identifiers: Orphanet 331206, MedGen C1832322, MONDO:0011086, OMIM 601457.
Combined immunodeficiency with skin granulomas. Identifiers: Orphanet 157949, MedGen C2673536, MONDO:0009306, OMIM 233650.
Severe combined immunodeficiency disease. Also called: Severe Combined Immune Deficiency; Severe combined immunodeficiency. Identifiers: Orphanet 183660, MedGen C0085110, MeSH D016511, MONDO:0015974, HP:0004430. Inheritance: X-Linked or Autosomal recessive.

Allele frequency attached by ClinVar (database versions not stated): ExAC 0.00002; gnomAD exomes 0.00003 and 0.00013; gnomAD 0.00007 and 0.00008; TOPMed 0.00008.
gnomAD v4.1: 197 of 1,614,116 alleles (0.012%); highest among the groups gnomAD compares: Non-Finnish European, 0.016%; no homozygotes.

Submissions (4):

ClinGen Severe Combined Immunodeficiency Variant Curation Expert Panel, ClinGen
Classification: Uncertain significance for Recombinase activating gene 1 deficiency. Last evaluated: 2024-02-12. Review status: reviewed by expert panel. Criteria: ClinGen SCID ACMG Specifications RAG1 V1.0.0. Collection method: curation. Allele origin: germline. Inheritance: Autosomal recessive inheritance.
Comment: NM_000448.3(RAG1):c.2603C>T is a missense variant predicted to cause substitution of Alanine by Valine at amino acid 868 (p.Ala868Val). This missense variant is located in the core domain (amino acids 387-1011) (PM1_Supporting). The highest population minor allele frequency in gnomAD v4 is 0.0001585 (187/1180040) in European (non-Finnish) population (PM2_Supporting, BS1, and BA1 are not met). There are no publications for this variant in the literature. In summary, this variant meets the criteria to be classified as a variant of uncertain significance for autosomal recessive severe combined immunodeficiency due to RAG1 deficiency based on the ACMG/AMP criteria applied, as specified by the ClinGen SCID VCEP: PM1_Supporting (VCEP specifications version 1).

Blueprint Genetics
Classification: Uncertain significance. Last evaluated: 2024-11-22. Review status: criteria provided, single submitter. Criteria: ACMG Guidelines, 2015. Collection method: clinical testing. Allele origin: germline. Not counted in ClinVar's aggregate classification.

Labcorp Genetics (formerly Invitae), Labcorp
Classification: Uncertain significance for Combined immunodeficiency with skin granulomas; Severe combined immunodeficiency, autosomal recessive, T cell-negative, B cell-negative, NK cell-positive. Last evaluated: 2022-09-27. Review status: criteria provided, single submitter. Criteria: Invitae Variant Classification Sherloc (09022015). Collection method: clinical testing. Allele origin: germline. Not counted in ClinVar's aggregate classification.
Comment: This sequence change replaces alanine, which is neutral and non-polar, with valine, which is neutral and non-polar, at codon 868 of the RAG1 protein (p.Ala868Val). The frequency data for this variant in the population databases is considered unreliable, as metrics indicate poor data quality at this position in the gnomAD database. This variant has not been reported in the literature in individuals affected with RAG1-related conditions. ClinVar contains an entry for this variant (Variation ID: 36712). Advanced modeling of protein sequence and biophysical properties (such as structural, functional, and spatial information, amino acid conservation, physicochemical variation, residue mobility, and thermodynamic stability) performed at Invitae indicates that this missense variant is not expected to disrupt RAG1 protein function. Experimental studies have shown that this missense change does not substantially affect RAG1 function (PMID: 24290284). In summary, the available evidence is currently insufficient to determine the role of this variant in disease. Therefore, it has been classified as a Variant of Uncertain Significance.

Women's Health and Genetics/Laboratory Corporation of America, LabCorp
Classification: Likely pathogenic for SCID. Last evaluated: 2011-08-18. Review status: criteria provided, single submitter. Criteria: LabCorp Variant Classification Summary - May 2015. Collection method: curation, clinical testing. Allele origin: germline. Inheritance: autosomal unknown. Affected: yes. Not counted in ClinVar's aggregate classification.
ClinVar note: Converted during submission from likely pathogenic to Likely pathogenic.

Literature cited by the submitters: PubMed 24290284 (cited by Labcorp Genetics (formerly Invitae), Labcorp).

NM_000448.3(RAG1):c.2603C>T (p.Ala868Val)

Gene: RAG1 (recombination activating 1; plus strand). Cytogenetic location: 11p12.
Variant type: single nucleotide variant.
Coding change: c.2603C>T on transcript NM_000448.3 (MANE Select); coding-DNA position 2603, C replaced by T.
Protein change: p.Ala868Val; replaces alanine 868 with valine.
Molecular consequence: missense variant.
Genome position (GRCh38, 1-based): chr11:36,575,907, C>T. VCF-style: chr11-36575907-C-T. GRCh37 (hg19) VCF-style: chr11-36597457-C-T.
Other names: NM_000448.3(RAG1):c.2603C>T; c.2603C>T, p.Ala868Val (NM_001377277.1, NM_001377278.1, NM_001377279.1 and 1 more transcripts); short protein forms A868V.
Identifiers: ClinVar variation 36712 (VCV000036712.10), dbSNP rs193922462, ClinGen allele CA214197.